The following is an entry in ClinVar:

ClinVar aggregate classification (germline): Uncertain significance. Review status: criteria provided, multiple submitters, no conflicts (2 of 4 stars). 4 submissions from 4 submitters: Uncertain significance (4). Last evaluated 2023-09-29.

Conditions:
Hereditary cancer-predisposing syndrome. Also called: Hereditary neoplastic syndrome; Hereditary Cancer Syndrome; Neoplastic Syndromes, Hereditary; Tumor predisposition. Identifiers: Orphanet 140162, MedGen C0027672, MeSH D009386, MONDO:0015356.
Microcephaly, normal intelligence and immunodeficiency (NBS). Also called: BERLIN BREAKAGE SYNDROME; SEEMANOVA SYNDROME II; Immunodeficiency, microcephaly with normal intelligence; Nijmegen breakage syndrome; Microcephaly with normal intelligence immunodeficiency and lymphoreticular malignancies; Nonsyndromal microcephaly autosomal recessive with normal intelligence. Identifiers: Orphanet 647, MedGen C0398791, MONDO:0009623, OMIM 251260.

Allele frequency attached by ClinVar (database versions not stated): gnomAD exomes below 0.00001.
gnomAD v4.1: 1 of 1,583,522 alleles (0.000063%); highest among the groups gnomAD compares: Non-Finnish European, 0.000087%; no homozygotes.

Submissions (4):

Labcorp Genetics (formerly Invitae), Labcorp
Classification: Uncertain significance for Microcephaly, normal intelligence and immunodeficiency. Last evaluated: 2023-09-29. Review status: criteria provided, single submitter. Criteria: Invitae Variant Classification Sherloc (09022015). Collection method: clinical testing. Allele origin: germline.
Comment: This sequence change replaces aspartic acid, which is acidic and polar, with asparagine, which is neutral and polar, at codon 645 of the NBN protein (p.Asp645Asn). This variant is not present in population databases (gnomAD no frequency). This variant has not been reported in the literature in individuals affected with NBN-related conditions. ClinVar contains an entry for this variant (Variation ID: 423758). An algorithm developed to predict the effect of missense changes on protein structure and function (PolyPhen-2) suggests that this variant¬†is likely to be tolerated. In summary, the available evidence is currently insufficient to determine the role of this variant in disease. Therefore, it has been classified as a Variant of Uncertain Significance.

Genome-Nilou Lab
Classification: Uncertain significance for Microcephaly, normal intelligence and immunodeficiency. Last evaluated: 2021-11-07. Review status: criteria provided, single submitter. Criteria: ACMG Guidelines, 2015. Collection method: clinical testing. Allele origin: germline. Affected: no.

Ambry Genetics
Classification: Uncertain significance for Hereditary cancer-predisposing syndrome. Last evaluated: 2021-10-13. Review status: criteria provided, single submitter. Criteria: Ambry Variant Classification Scheme 2023. Collection method: clinical testing. Allele origin: germline.
Comment: The p.D645N variant (also known as c.1933G>A), located in coding exon 13 of the NBN gene, results from a G to A substitution at nucleotide position 1933. The aspartic acid at codon 645 is replaced by asparagine, an amino acid with highly similar properties. This amino acid position is not well conserved in available vertebrate species. In addition, this alteration is predicted to be tolerated by in silico analysis. Since supporting evidence is limited at this time, the clinical significance of this alteration remains unclear.

GeneDx
Classification: Uncertain significance. Last evaluated: 2017-02-22. Review status: criteria provided, single submitter. Criteria: GeneDx Variant Classification (06012015). Collection method: clinical testing. Allele origin: germline. Affected: yes.
Comment: This variant is denoted NBN c.1933G>A at the cDNA level, p.Asp645Asn (D645N) at the protein level, and results in the change of an Aspartic Acid to an Asparagine (GAT>AAT). This variant has not, to our knowledge, been published in the literature as pathogenic or benign. NBN Asp645Asn was not observed in approximately 6,500 individuals of European and African American ancestry in the NHLBI Exome Sequencing Project, suggesting it is not a common benign variant in these populations. Since Aspartic Acid and Asparagine differ in some properties, this is considered a semi-conservative amino acid substitution. NBN Asp645Asn occurs at a position that is not conserved and is located in the MRE11 interaction region (Damiola 2014). In silico analyses are inconsistent regarding the effect this variant may have on protein structure and function. Based on currently available evidence, it is unclear whether NBN Asp645Asn is a pathogenic or benign variant. We consider it to be a variant of uncertain significance.

NM_002485.5(NBN):c.1933G>A (p.Asp645Asn)

Gene: NBN (nibrin; minus strand). Cytogenetic location: 8q21.3.
Variant type: single nucleotide variant.
Coding change: c.1933G>A on transcript NM_002485.5 (MANE Select); coding-DNA position 1933, G replaced by A.
Protein change: p.Asp645Asn; replaces aspartic acid 645 with asparagine.
Molecular consequence: missense variant.
Genome position (GRCh38, 1-based): chr8:89,946,277, C>T on the plus strand (G>A on the coding strand, the complement: NBN is on the minus strand). VCF-style: chr8-89946277-C-T. GRCh37 (hg19) VCF-style: chr8-90958505-C-T.
Other names: c.1687G>A, p.Asp563Asn (NM_001024688.3); short protein forms D645N, D563N.
Identifiers: ClinVar variation 423758 (VCV000423758.13), dbSNP rs1064796613, ClinGen allele CA16618698.